The following is an entry in ClinVar:

ClinVar aggregate classification (germline): Conflicting classifications of pathogenicity. Review status: criteria provided, conflicting classifications (1 of 4 stars). 4 submissions from 4 submitters: Likely pathogenic (1); Uncertain significance (3). Last evaluated 2025-06-22.

Conditions:
Neurofibromatosis, type 1 (NF1). Also called: NEUROFIBROMATOSIS, TYPE I, SOMATIC; Peripheral type neurofibromatosis; Neurofibromatosis, type I; VON RECKLINGHAUSEN DISEASE. Identifiers: Orphanet 636, MedGen C0027831, MONDO:0018975, OMIM 162200. Disease mechanism: loss of function.
Neurofibromatosis, familial spinal (FSNF). Identifiers: Orphanet 636, MedGen C1834235, MONDO:0008078, OMIM 162210. Disease mechanism: loss of function.
Juvenile myelomonocytic leukemia (JMML). Also called: LEUKEMIA, JUVENILE MYELOMONOCYTIC, SOMATIC. Identifiers: Orphanet 86834, MedGen C0349639, MONDO:0011908, OMIM 607785, HP:0012209.
Neurofibromatosis-Noonan syndrome (NFNS). Also called: NEUROFIBROMATOSIS WITH NOONAN PHENOTYPE. Identifiers: Orphanet 638, MedGen C2931482, MONDO:0011035, OMIM 601321. Disease mechanism: loss of function.
Café-au-lait macules with pulmonary stenosis (WTSN). Also called: PULMONIC STENOSIS WITH CAFE-AU-LAIT SPOTS. Identifiers: MedGen C0553586, MONDO:0008672, OMIM 193520.

Submissions (4):

Labcorp Genetics (formerly Invitae), Labcorp
Classification: Uncertain significance for Neurofibromatosis, type 1. Last evaluated: 2025-06-22. Review status: criteria provided, single submitter. Criteria: Invitae Variant Classification Sherloc (09022015). Collection method: clinical testing. Allele origin: germline.
Comment: This sequence change falls in intron 23 of the NF1 gene. It does not directly change the encoded amino acid sequence of the NF1 protein. This variant is not present in population databases (gnomAD no frequency). This variant has not been reported in the literature in individuals affected with NF1-related conditions. ClinVar contains an entry for this variant (Variation ID: 1315649). Algorithms developed to predict the effect of sequence changes on RNA splicing suggest that this variant may disrupt the consensus splice site. In summary, the available evidence is currently insufficient to determine the role of this variant in disease. Therefore, it has been classified as a Variant of Uncertain Significance.

GeneDx
Classification: Likely pathogenic. Last evaluated: 2023-05-18. Review status: criteria provided, single submitter. Criteria: GeneDx Variant Classification Process June 2021. Collection method: clinical testing. Allele origin: germline. Affected: yes.
Comment: Not observed at significant frequency in large population cohorts (gnomAD); In silico analysis supports a deleterious effect on splicing; Has not been previously published as pathogenic or benign to our knowledge

Genome-Nilou Lab
Classification: Uncertain significance for Neurofibromatosis, type 1. Last evaluated: 2022-03-15. Review status: criteria provided, single submitter. Criteria: ACMG Guidelines, 2015. Collection method: clinical testing. Allele origin: germline. Affected: no.

Juno Genomics, Hangzhou Juno Genomics, Inc
Classification: Uncertain significance for Café-au-lait macules with pulmonary stenosis; Neurofibromatosis, type 1; Juvenile myelomonocytic leukemia; Neurofibromatosis, familial spinal; Neurofibromatosis-Noonan syndrome. Review status: criteria provided, single submitter. Criteria: ACMG Guidelines, 2015. Collection method: clinical testing. Allele origin: germline. Affected: yes.
Comment: Absent from controls (or at extremely low frequency if recessive) in Genome Aggregation Database.;Multiple lines of computational evidence support a deleterious effect on the gene or gene product.;Patient's phenotype or family history is highly specific for a disease with a single genetic etiology.

NM_001042492.3(NF1):c.3114-11C>G

Gene: NF1 (neurofibromin 1; plus strand). Cytogenetic location: 17q11.2.
Variant type: single nucleotide variant.
Coding change: c.3114-11C>G on transcript NM_001042492.3 (MANE Select); 11 bases into the intron before coding-DNA position 3114, C replaced by G.
Molecular consequence: intron variant.
Genome position (GRCh38, 1-based): chr17:31,230,831, C>G. VCF-style: chr17-31230831-C-G. GRCh37 (hg19) VCF-style: chr17-29557849-C-G.
Other names: c.3114-11C>G (NM_000267.4).
Identifiers: ClinVar variation 1315649 (VCV001315649.10), dbSNP rs2151432318, ClinGen allele CA2573054379.
Genomic context (GRCh38, chr17:31,230,831, plus strand): 5'-ACGTGACTAAAGGTGTGTGTGTGGCTTCAAAAACATTGTTTGCTGTTTCTCTTTTCTCCA[C>G]CATTCTATAGGAATAAGATGGTAGAATACCTGACAGACTGGGTTATGGGAACATCAAACC-3'